The following is an entry in ClinVar:

NM_020971.3(SPTBN4):c.1665+7dup

Gene: SPTBN4 (spectrin beta, non-erythrocytic 4; plus strand). Cytogenetic location: 19q13.2.
Variant type: Duplication.
Coding change: c.1665+7dup on transcript NM_020971.3 (MANE Select); 7 bases into the intron after coding-DNA position 1665, one base duplicated (G; older notation c.1665+7dupG).
Molecular consequence: intron variant.
Genome position (GRCh38, 1-based): chr19:40,504,139, G duplicated; the last of 2 consecutive G bases (chr19:40,504,138-40,504,139); duplicating either gives the same sequence. VCF-style (leftmost placement, unchanged base first): chr19-40504137-C-CG. GRCh37 (hg19) VCF-style: chr19-41010044-C-CG.
Identifiers: ClinVar variation 3037324 (VCV003037324.4), dbSNP rs200129769, ClinGen allele CA9445697.

ClinVar aggregate classification (germline): Benign/Likely benign. Review status: criteria provided, multiple submitters, no conflicts (2 of 4 stars). 3 submissions from 3 submitters: Benign (1); Likely benign (1). 1 of the submissions does not count toward it. Last evaluated 2025-02-16.

Conditions:
SPTBN4-related disorder. Also called: SPTBN4-related condition.

Submissions (3):

Laboratory of Genetics, Children's Clinical University Hospital Latvia
Classification: Benign. Last evaluated: 2025-02-16. Review status: criteria provided, single submitter. Criteria: ACMG Guidelines, 2015. Collection method: clinical testing. Allele origin: germline. Affected: yes.

Blueprint Genetics
Classification: Likely benign. Last evaluated: 2024-11-21. Review status: criteria provided, single submitter. Criteria: ACMG Guidelines, 2015. Collection method: clinical testing. Allele origin: germline.

PreventionGenetics, part of Exact Sciences
Classification: Likely benign for SPTBN4-related condition. Last evaluated: 2019-04-26. Review status: no assertion criteria provided. Collection method: clinical testing. Allele origin: germline. Not counted in ClinVar's aggregate classification.
Comment: This variant is classified as likely benign based on ACMG/AMP sequence variant interpretation guidelines (Richards et al. 2015 PMID: 25741868, with internal and published modifications).